The following is an entry in ClinVar:

NM_001698.3(AUH):c.655+3A>C

Gene: AUH (AU RNA binding methylglutaconyl-CoA hydratase; minus strand). Cytogenetic location: 9q22.31.
Variant type: single nucleotide variant.
Coding change: c.655+3A>C on transcript NM_001698.3 (MANE Select); 3 bases into the intron after coding-DNA position 655, A replaced by C.
Molecular consequence: intron variant.
Genome position (GRCh38, 1-based): chr9:91,296,018, T>G on the plus strand (A>C on the coding strand, the complement: AUH is on the minus strand). VCF-style: chr9-91296018-T-G. GRCh37 (hg19) VCF-style: chr9-94058300-T-G.
Other names: c.568+3A>C (NM_001306190.2); c.328+3A>C (NM_001351433.2, NM_001351431.2, NM_001351432.2).
Identifiers: ClinVar variation 287536 (VCV000287536.9), dbSNP rs755914350, ClinGen allele CA5119790.

ClinVar aggregate classification (germline): Uncertain significance. Review status: criteria provided, multiple submitters, no conflicts (2 of 4 stars). 2 submissions from 2 submitters: Uncertain significance (2). Last evaluated 2022-02-22.

Conditions:
3-methylglutaconic aciduria type 1 (MGCA1). Identifiers: Orphanet 67046, MedGen C0342727, MONDO:0009610, OMIM 250950.

Allele frequency attached by ClinVar (database versions not stated): ExAC 0.00002; gnomAD 0.00001; gnomAD exomes 0.00002; TOPMed 0.00003.
gnomAD v4.1: 67 of 1,613,904 alleles (0.0042%); highest among the groups gnomAD compares: Admixed American, 0.0067%; no homozygotes.

Submissions (2):

Labcorp Genetics (formerly Invitae), Labcorp
Classification: Uncertain significance for 3-methylglutaconic aciduria type 1. Last evaluated: 2022-02-22. Review status: criteria provided, single submitter. Criteria: Invitae Variant Classification Sherloc (09022015). Collection method: clinical testing. Allele origin: germline.
Comment: This sequence change falls in intron 6 of the AUH gene. It does not directly change the encoded amino acid sequence of the AUH protein. It affects a nucleotide within the consensus splice site. This variant is present in population databases (rs755914350, gnomAD 0.01%). This variant has not been reported in the literature in individuals affected with AUH-related conditions. ClinVar contains an entry for this variant (Variation ID: 287536). Variants that disrupt the consensus splice site are a relatively common cause of aberrant splicing (PMID: 17576681, 9536098). Algorithms developed to predict the effect of sequence changes on RNA splicing suggest that this variant may disrupt the consensus splice site. In summary, the available evidence is currently insufficient to determine the role of this variant in disease. Therefore, it has been classified as a Variant of Uncertain Significance.

Eurofins Ntd Llc (ga)
Classification: Uncertain significance. Last evaluated: 2016-04-13. Review status: criteria provided, single submitter. Criteria: EGL Classification Definitions 2015. Collection method: clinical testing. Allele origin: germline. Observed: 1 variant allele, 1 heterozygote.

Literature cited by the submitters: PubMed 17576681 (cited by Labcorp Genetics (formerly Invitae), Labcorp); PubMed 9536098 (cited by Labcorp Genetics (formerly Invitae), Labcorp).